The following is an entry in ClinVar:

NM_031443.4(CCM2):c.1294A>G (p.Ile432Val)

Gene: CCM2 (CCM2 scaffold protein; plus strand). Cytogenetic location: 7p13.
Variant type: single nucleotide variant.
Coding change: c.1294A>G on transcript NM_031443.4 (MANE Select); coding-DNA position 1294, A replaced by G.
Protein change: p.Ile432Val; replaces isoleucine 432 with valine.
Molecular consequence: missense variant. On other transcripts: non-coding transcript variant (1).
Genome position (GRCh38, 1-based): chr7:45,076,016, A>G. VCF-style: chr7-45076016-A-G. GRCh37 (hg19) VCF-style: chr7-45115615-A-G.
Other names: c.1357A>G, p.Ile453Val (NM_001029835.2); c.1120A>G, p.Ile374Val (NM_001167934.2); c.1021A>G, p.Ile341Val (NM_001167935.2); c.1417A>G, p.Ile473Val (NM_001363458.2); c.1243A>G, p.Ile415Val (NM_001363459.2); short protein forms I341V, I374V, I415V, I432V, I453V, I473V.
Identifiers: ClinVar variation 4537815 (VCV004537815.1).

ClinVar aggregate classification (germline): Uncertain significance (1 of 4 stars; one submission).

gnomAD v4.1: 1 of 1,613,074 alleles (0.000062%); no homozygotes.

Submission:

GeneDx
Classification: Uncertain significance. Last evaluated: 2025-06-13. Review status: criteria provided, single submitter. Criteria: GeneDx Variant Classification Process June 2021. Collection method: clinical testing. Allele origin: germline. Affected: yes.
Comment: Not observed at significant frequency in large population cohorts (gnomAD); In silico analysis suggests that this missense variant does not alter protein structure/function; Has not been previously published as pathogenic or benign to our knowledge